The following is an entry in ClinVar:

NM_000091.5(COL4A3):c.1114+2T>C

Genes: COL4A3 (collagen type IV alpha 3 chain; plus strand), MFF-DT (MFF divergent transcript; minus strand). Cytogenetic location: 2q36.3.
Variant type: single nucleotide variant.
Coding change: c.1114+2T>C on transcript NM_000091.5 (MANE Select); the canonical splice donor site of the intron after coding-DNA position 1114, T replaced by C.
Molecular consequence: splice donor variant.
Genome position (GRCh38, 1-based): chr2:227,259,879, T>C. VCF-style: chr2-227259879-T-C. GRCh37 (hg19) VCF-style: chr2-228124595-T-C.
Identifiers: ClinVar variation 1067949 (VCV001067949.17), dbSNP rs956551930, ClinGen allele CA66628863.

ClinVar aggregate classification (germline): Pathogenic/Likely pathogenic. Review status: criteria provided, multiple submitters, no conflicts (2 of 4 stars). 4 submissions from 4 submitters: Pathogenic (1); Likely pathogenic (2). 1 of the submissions does not count toward it. Last evaluated 2025-10-01.

Conditions:
Alport syndrome. Also called: Hemorrhagic familial nephritis; Hemorrhagic hereditary nephritis; Congenital hereditary hematuria. Identifiers: Orphanet 63, MedGen C1567741, MONDO:0018965.
Autosomal dominant Alport syndrome (ATS3A). Also called: Alport syndrome dominant type; Renal failure and sensorineural hearing loss; ALPORT SYNDROME 3A, AUTOSOMAL DOMINANT. Identifiers: Orphanet 63, Orphanet 88918, MedGen C5882663, MONDO:0007086, OMIM 104200.

Allele frequency attached by ClinVar (database versions not stated): TOPMed 0.00001.
gnomAD v4.1: 1 of 1,609,202 alleles (0.000062%); highest among the groups gnomAD compares: Non-Finnish European, 0.000085%; no homozygotes.

Submissions (4):

Institute of Medical Genetics and Applied Genomics, University Hospital Tübingen
Classification: Likely pathogenic for Autosomal dominant Alport syndrome. Last evaluated: 2025-10-01. Review status: criteria provided, single submitter. Criteria: ACMG Guidelines, 2015. Collection method: clinical testing. Allele origin: germline. Inheritance: Autosomal dominant inheritance. Affected: yes.

CeGaT Center for Human Genetics Tuebingen
Classification: Pathogenic. Last evaluated: 2025-08-01. Review status: criteria provided, single submitter. Criteria: CeGaT Center For Human Genetics Tuebingen Variant Classification Criteria Version 2. Collection method: clinical testing. Allele origin: germline. Affected: yes. Observed: 1 variant allele.
Comment: COL4A3: PVS1, PM2

Labcorp Genetics (formerly Invitae), Labcorp
Classification: Likely pathogenic. Last evaluated: 2021-04-20. Review status: criteria provided, single submitter. Criteria: Invitae Variant Classification Sherloc (09022015). Collection method: clinical testing. Allele origin: germline.
Comment: This variant has not been reported in the literature in individuals with COL4A3-related conditions. This variant is not present in population databases (ExAC no frequency). In summary, the currently available evidence indicates that the variant is pathogenic, but additional data are needed to prove that conclusively. Therefore, this variant has been classified as Likely Pathogenic. Donor and acceptor splice site variants typically lead to a loss of protein function (PMID: 16199547), and loss-of-function variants in COL4A3 are known to be pathogenic (PMID: 8956999, 24854265). Algorithms developed to predict the effect of sequence changes on RNA splicing suggest that this variant may disrupt the consensus splice site, but this prediction has not been confirmed by published transcriptional studies. This sequence change affects a donor splice site in intron 19 of the COL4A3 gene. It is expected to disrupt RNA splicing and likely results in an absent or disrupted protein product.

Natera, Inc.
Classification: Likely pathogenic for Alport syndrome. Last evaluated: 2020-03-18. Review status: no assertion criteria provided. Collection method: clinical testing. Allele origin: germline. Not counted in ClinVar's aggregate classification.

Literature cited by the submitters: PubMed 16199547 (cited by Labcorp Genetics (formerly Invitae), Labcorp); PubMed 8956999 (cited by Labcorp Genetics (formerly Invitae), Labcorp); PubMed 24854265 (cited by Labcorp Genetics (formerly Invitae), Labcorp).